The following is an entry in ClinVar:

NM_018117.12(WDR11):c.1319A>T (p.Glu440Val)

Gene: WDR11 (WD repeat domain 11; plus strand). Cytogenetic location: 10q26.12.
Variant type: single nucleotide variant.
Coding change: c.1319A>T on transcript NM_018117.12 (MANE Select); coding-DNA position 1319, A replaced by T.
Protein change: p.Glu440Val; replaces glutamic acid 440 with valine.
Molecular consequence: missense variant.
Genome position (GRCh38, 1-based): chr10:120,871,194, A>T. VCF-style: chr10-120871194-A-T. GRCh37 (hg19) VCF-style: chr10-122630706-A-T.
Other names: c.1319A>T (NM_018117.11); short protein forms E440V.
Identifiers: ClinVar variation 2958418 (VCV002958418.4), dbSNP rs765444878, ClinGen allele CA5719697.
Genomic context (GRCh38, chr10:120,871,194, plus strand): 5'-GTAGTTAATATATTTGTTATTTTTATTACAAATCAGGGCAAAGTGCAATTGCTGGGGAAG[A>T]ACATCCCAGAGGTTCAATTCTGCGGGAAGTGCACCTCAAGTTCCTGCTGACGGGACTGCT-3'
Protein context (NP_060587.8, residues 430-450): MIGQSAIAGE[Glu440Val]HPRGSILREV

ClinVar aggregate classification (germline): Uncertain significance. Review status: criteria provided, multiple submitters, no conflicts (2 of 4 stars). 2 submissions from 2 submitters: Uncertain significance (2). Last evaluated 2024-03-16.

Conditions:
Inborn genetic diseases. Identifiers: MedGen C0950123, MeSH D030342.

Allele frequency attached by ClinVar (database versions not stated): gnomAD exomes 0.00002; TOPMed 0.00002; ExAC 0.00011.
gnomAD v4.1: 33 of 1,614,178 alleles (0.002%); highest among the groups gnomAD compares: East Asian, 0.071%; no homozygotes.

Submissions (2):

Ambry Genetics
Classification: Uncertain significance for Inborn genetic diseases. Last evaluated: 2024-03-16. Review status: criteria provided, single submitter. Criteria: Ambry Variant Classification Scheme 2023. Collection method: clinical testing. Allele origin: germline.

Labcorp Genetics (formerly Invitae), Labcorp
Classification: Uncertain significance. Last evaluated: 2023-08-17. Review status: criteria provided, single submitter. Criteria: Invitae Variant Classification Sherloc (09022015). Collection method: clinical testing. Allele origin: germline.
Comment: In summary, the available evidence is currently insufficient to determine the role of this variant in disease. Therefore, it has been classified as a Variant of Uncertain Significance. An algorithm developed to predict the effect of missense changes on protein structure and function (PolyPhen-2) suggests that this variant is likely to be tolerated. This variant has not been reported in the literature in individuals affected with WDR11-related conditions. This variant is present in population databases (rs765444878, gnomAD 0.1%). This sequence change replaces glutamic acid, which is acidic and polar, with valine, which is neutral and non-polar, at codon 440 of the WDR11 protein (p.Glu440Val).